The following is an entry in ClinVar:

ClinVar aggregate classification (germline): Uncertain significance (1 of 4 stars; one submission).

Conditions:
Familial cancer of breast. Also called: hereditary breast carcinoma; BREAST CANCER, FAMILIAL; Hereditary breast cancer. Identifiers: Orphanet 227535, MedGen C0346153, MONDO:0016419, OMIM 114480. Disease mechanism: loss of function.

Submission:

Labcorp Genetics (formerly Invitae), Labcorp
Classification: Uncertain significance for Familial cancer of breast. Last evaluated: 2025-06-16. Review status: criteria provided, single submitter. Criteria: Invitae Variant Classification Sherloc (09022015). Collection method: clinical testing. Allele origin: germline.
Comment: This variant, c.839_840insTTT, results in the insertion of 1 amino acid(s) of the CHEK2 protein (p.Leu280dup), but otherwise preserves the integrity of the reading frame. This variant is not present in population databases (gnomAD no frequency). This variant has not been reported in the literature in individuals affected with CHEK2-related conditions. Experimental studies and prediction algorithms are not available or were not evaluated, and the functional significance of this variant is currently unknown. In summary, the available evidence is currently insufficient to determine the role of this variant in disease. Therefore, it has been classified as a Variant of Uncertain Significance.

NM_007194.4(CHEK2):c.839_840insTTT (p.Leu280_Asn281insLeu)

Gene: CHEK2 (checkpoint kinase 2; minus strand). Cytogenetic location: 22q12.1.
Variant type: Insertion.
Coding change: c.839_840insTTT on transcript NM_007194.4 (MANE Select); coding-DNA positions 839 to 840, TTT inserted.
Protein change: p.Leu280_Asn281insLeu.
Molecular consequence: inframe insertion.
Genome position: GRCh38 VCF-style: chr22-28710012-T-TAAA. GRCh37 (hg19) VCF-style: chr22-29106000-T-TAAA.
Other names: c.968_969insTTT, p.Leu323_Asn324insLeu (NM_001005735.3, NM_001438294.1); c.176_177insTTT, p.Leu59_Asn60insLeu (NM_001257387.3, NM_001437942.1); c.638_639insTTT, p.Leu213_Asn214insLeu (NM_001349956.3); c.932_933insTTT, p.Leu311_Asn312insLeu (NM_001438293.1, NM_001438295.1); c.839_840insTTT, p.Leu280_Asn281insLeu (NM_145862.3).
Identifiers: ClinVar variation 4721536 (VCV004721536.1).